The following is an entry in ClinVar:

NC_000009.12:g.35658018_35658034dup

Gene: RMRP (RNA component of mitochondrial RNA processing endoribonuclease; minus strand). Cytogenetic location: 9p13.3.
Variant type: Duplication.
Genome position: GRCh38 VCF-style: chr9-35658015-A-AACCACGTCCTCAGCTTC. GRCh37 (hg19) VCF-style: chr9-35658012-A-AACCACGTCCTCAGCTTC.
Other names: NR_003051.3(RMRP):n.-14_3dup.
Identifiers: ClinVar variation 14221 (VCV000014221.10), dbSNP rs878853178, ClinGen allele CA10575524.

ClinVar aggregate classification (germline): Pathogenic. Review status: reviewed by expert panel (3 of 4 stars). 4 submissions from 4 submitters: Pathogenic (1). 3 of the submissions do not count toward it. Last evaluated 2025-10-07.

Conditions:
Anauxetic dysplasia. Identifiers: Orphanet 93347, MedGen C1846796, MONDO:0011773.
Metaphyseal chondrodysplasia, McKusick type (CHH). Also called: Cartilage-hair hypoplasia; Cartilage-Hair Hypoplasia (CHH). Identifiers: Orphanet 175, MedGen C0220748, MONDO:0009595, OMIM 250250.

Submissions (4):

ClinGen Severe Combined Immunodeficiency Variant Curation Expert Panel, ClinGen
Classification: Pathogenic for Metaphyseal chondrodysplasia, McKusick type. Last evaluated: 2025-10-07. Review status: reviewed by expert panel. Criteria: ClinGen SCID ACMG Specifications RMRP V1.2.0. Collection method: curation. Allele origin: germline. Inheritance: Autosomal recessive inheritance.
Comment: The variant NC_000009.12:g.35658018_35658034dup, also known as NR_003051.3(RMRP):n.-14_3dup, is is present in gnomAD v.4.1.0 at a GrpMax filtering allele frequency of 0.00031353, which is higher than the ClinGen SCID VCEP specified PM2_Supporting threshold of <0.0000447, but lower than the BS1 threshold of >0.00089 . Therefore, Both PM2_supporting and BS1 are not met. At least one patient (Patient CCH1 in PMID16832578) with this variant presents Metaphyseal dysplasia (+1.0 points), Hypotrichosis (+0.5 points) and immunodeficiency (+0.5 points). Therefore, PP4_Moderate is met. The variant NR_003051.3:n.-14_3dup falls in the 5´ region, increasing the distance between the TATA box and the transcription start site (n.4) meeting PM1_Strong. This variant creates an extension of more than 6 nucleotides, increasing the distance between the TATA box (spanning n.-32 to n.-24) and the transcription start site (n.4). Therefore, PM4 is met. This variant has been found in trans with variant 182G>A (+0.25 points) and 182G>T (+0.25 points) reaching 0.5 points (PMID: 16832578) and therefore PM3 criterion is met at PM3_Supporting. This variant has been found in a multiple-case family with two affected siblings (PMID:16832578 CHH6 and 7), meeting PP1. In summary, this variant is classified as Pathogenic for Autosomal recessive Cartilage Hair Hypoplasia based on the ACMG/AMP criteria applied, as specified by the ClinGen SCID VCEP: PM1_Strong, PM4, PP4_Moderate, PM3_Supporting, PP1 (VCEP specifications version 1). NR_003051.3 is the historic transcript with the first nucleotide of the transcribed non-coding RNA that differs from the current MANE transcript, namely NR_003051.4. In this curation, NR_003051.3 was used in the following PMID(s): 16832578.

Labcorp Genetics (formerly Invitae), Labcorp
Classification: Pathogenic for Anauxetic dysplasia. Last evaluated: 2025-09-03. Review status: criteria provided, single submitter. Criteria: Invitae Variant Classification Sherloc (09022015). Collection method: clinical testing. Allele origin: germline. Not counted in ClinVar's aggregate classification.
Comment: This variant occurs in the RMRP gene, which encodes an RNA molecule that does not result in a protein product. This variant is present in population databases (no rsID available, gnomAD 0.02%). This variant has been observed in individual(s) with RMRP-related conditions (PMID: 14608646, 16832578). In at least one individual the data is consistent with being in trans (on the opposite chromosome) from a pathogenic variant. This variant is also known as c.-15_2dup. ClinVar contains an entry for this variant (Variation ID: 14221). Studies have shown that this variant alters RMRP gene expression (PMID: 17937437). For these reasons, this variant has been classified as Pathogenic.

Natera, Inc.
Classification: Pathogenic for Cartilage-hair hypoplasia. Last evaluated: 2025-04-10. Review status: criteria provided, single submitter. Criteria: Natera Variant Classification Schema (03/2026). Collection method: clinical testing. Allele origin: germline. Not counted in ClinVar's aggregate classification.
Comment: The n.-14_3dupGAAGCTGAGGACGTGGT variant in RMRP, also known as NC_000009.12:g.35658018_35658034dup, is a duplication affecting the RMRP promoter region between the TATA box and the transcription initiation site. Other duplications and insertions just upstream of the transcription initiation site have been reported in individuals affected with cartilage-hair hypoplasia (PMID: 11207361, 17937437). This variant is rare in the general population with a frequency below the threshold expected for the associated phenotype(s). This variant has been observed in one or more individuals affected with the associated recessive disease, as either homozygous or compound heterozygous with a second variant (PMID: 14608646, 16832578, 27270827, 38337186). Given the available evidence, this variant is classified as Pathogenic.

OMIM
Classification: Pathogenic for CARTILAGE-HAIR HYPOPLASIA. Last evaluated: 2003-12-15. Review status: no assertion criteria provided. Collection method: literature only. Allele origin: germline. Not counted in ClinVar's aggregate classification.

Literature cited by the submitters: PubMed 14608646 (cited by 3 submitters); PubMed 16832578 (cited by Labcorp Genetics (formerly Invitae), Labcorp and Natera, Inc.); PubMed 17937437 (cited by Labcorp Genetics (formerly Invitae), Labcorp and Natera, Inc.); PubMed 11207361 (cited by Natera, Inc.); PubMed 27270827 (cited by Natera, Inc.); PubMed 38337186 (cited by Natera, Inc.).